The following is an entry in ClinVar:

NM_024809.5(TCTN2):c.1612+1G>A

Gene: TCTN2 (tectonic family member 2; plus strand). Cytogenetic location: 12q24.31.
Variant type: single nucleotide variant.
Coding change: c.1612+1G>A on transcript NM_024809.5 (MANE Select); the canonical splice donor site of the intron after coding-DNA position 1612, G replaced by A.
Molecular consequence: splice donor variant.
Genome position (GRCh38, 1-based): chr12:123,699,811, G>A. VCF-style: chr12-123699811-G-A. GRCh37 (hg19) VCF-style: chr12-124184358-G-A.
Other names: c.1477+1G>A (NM_001410989.1); c.1609+1G>A (NM_001143850.3).
Identifiers: ClinVar variation 1483923 (VCV001483923.7), dbSNP rs371537478, ClinGen allele CA6861269.

ClinVar aggregate classification (germline): Likely pathogenic. Review status: criteria provided, multiple submitters, no conflicts (2 of 4 stars). 2 submissions from 2 submitters: Likely pathogenic (2). Last evaluated 2025-06-04.

Conditions:
Joubert syndrome 24 (JBTS24). Identifiers: Orphanet 475, MedGen C4084841, MONDO:0014724, OMIM 616654.
Meckel syndrome, type 8. Identifiers: Orphanet 564, MedGen C3836857, MONDO:0013482, OMIM 613885.
Meckel-Gruber syndrome. Also called: DYSENCEPHALIA SPLANCHNOCYSTICA; GRUBER SYNDROME; Dysencephalia splachnocystica. Identifiers: Orphanet 564, MedGen C0265215, MONDO:0018921.
Joubert syndrome. Also called: CEREBELLOPARENCHYMAL DISORDER IV; JOUBERT-BOLTSHAUSER SYNDROME; Familial aplasia of the vermis. Identifiers: Orphanet 475, MedGen C5979921, MONDO:0018772.

Allele frequency attached by ClinVar (database versions not stated): ExAC 0.00002; gnomAD exomes 0.00002; gnomAD 0.00005; TOPMed 0.00005; ESP Exome Variant Server 0.00008.
gnomAD v4.1: 15 of 1,612,892 alleles (0.00093%); highest among the groups gnomAD compares: African/African-American, 0.015%; no homozygotes.

Submissions (2):

Labcorp Genetics (formerly Invitae), Labcorp
Classification: Likely pathogenic for Joubert syndrome; Meckel-Gruber syndrome. Last evaluated: 2025-06-04. Review status: criteria provided, single submitter. Criteria: Invitae Variant Classification Sherloc (09022015). Collection method: clinical testing. Allele origin: germline.
Comment: This sequence change affects a donor splice site in intron 14 of the TCTN2 gene. It is expected to disrupt RNA splicing. Variants that disrupt the donor or acceptor splice site typically lead to a loss of protein function (PMID: 16199547), and loss-of-function variants in TCTN2 are known to be pathogenic (PMID: 21565611). This variant is present in population databases (rs371537478, gnomAD 0.03%). This variant has not been reported in the literature in individuals affected with TCTN2-related conditions. ClinVar contains an entry for this variant (Variation ID: 1483923). Algorithms developed to predict the effect of sequence changes on RNA splicing suggest that this variant may disrupt the consensus splice site. In summary, the currently available evidence indicates that the variant is pathogenic, but additional data are needed to prove that conclusively. Therefore, this variant has been classified as Likely Pathogenic.

Fulgent Genetics
Classification: Likely pathogenic for Meckel syndrome, type 8; Joubert syndrome 24. Last evaluated: 2024-03-30. Review status: criteria provided, single submitter. Criteria: ACMG Guidelines, 2015. Collection method: clinical testing. Allele origin: germline.

Literature cited by the submitters: PubMed 16199547 (cited by Labcorp Genetics (formerly Invitae), Labcorp); PubMed 21565611 (cited by Labcorp Genetics (formerly Invitae), Labcorp).